The following is an entry in ClinVar:

NC_000002.12:g.121530944C>T

Genes: CLASP1 (cytoplasmic linker associated protein 1; minus strand), CLASP1-AS1 (CLASP1 antisense RNA 1; plus strand), RNU4ATAC (RNA, U4atac small nuclear; plus strand). Cytogenetic location: 2q14.2.
Variant type: single nucleotide variant.
Molecular consequence: intron variant (on NM_001395891.1).
Genome position: GRCh38 VCF-style: chr2-121530944-C-T. GRCh37 (hg19) VCF-style: chr2-122288520-C-T.
Other names: c.196-619G>A (NM_001142274.2, NM_015282.3, NM_001378003.1 and 5 more transcripts).
Identifiers: ClinVar variation 1631270 (VCV001631270.8), dbSNP rs572917990, ClinGen allele CA1854714.

ClinVar aggregate classification (germline): Conflicting classifications of pathogenicity. Review status: criteria provided, conflicting classifications (1 of 4 stars). 2 submissions from 2 submitters: Uncertain significance (1); Likely benign (1). Last evaluated 2025-12-26.

Conditions:
RNU4ATAC spectrum disorder. Also called: RNU4atac-opathy. Identifiers: MedGen CN377746, MONDO:0100558.

Allele frequency attached by ClinVar (database versions not stated): gnomAD exomes 0.00050; 1000 Genomes Project 0.00060; 1000 Genomes Project 30x 0.00062; ExAC 0.00074.
gnomAD v4.1: 265 of 700,398 alleles (0.038%); highest among the groups gnomAD compares: Admixed American, 0.1%; 2 homozygotes.

Submissions (2):

Labcorp Genetics (formerly Invitae), Labcorp
Classification: Likely benign. Last evaluated: 2025-12-26. Review status: criteria provided, single submitter. Criteria: Invitae Variant Classification Sherloc (09022015). Collection method: clinical testing. Allele origin: germline.

Broad Center for Mendelian Genomics, Broad Institute of MIT and Harvard
Classification: Uncertain significance for RNU4ATAC spectrum disorder. Last evaluated: 2025-08-25. Review status: criteria provided, single submitter. Criteria: Ellingford et al. (Genome Med. 2022). Collection method: curation. Allele origin: germline. Inheritance: Autosomal recessive inheritance.
Comment: Panel testing revealed that this variant was in trans with the likely pathogenic variant. The variant has not been previously reported in the literature in individuals with RNU4ATAC spectrum disorder, but has been identified in 0.3% (79/23492) of Ashkenazi Jewish chromosomes, as well as 2 homozygotes in remaining and South Asian populations, by the Genome Aggregation Database (gnomAD; dbSNP rs572917990). This variant may be hypomorphic and homozygosity may not expected to cause disease, which could explain the high allele frequency and level of homozygosity for this variant in gnomAD. This variant has also been reported in ClinVar (VCV001631270.7) and has been interpreted as likely benign by Labcorp Genetics. In summary, the clinical significance of the n.65C>T variant is uncertain. ACMG/AMP Criteria applied: PM3 (Richards 2015).